The following is an entry in ClinVar:

NM_000517.6(HBA2):c.198_199insTC (p.Leu67fs)

Genes: HBA2 (hemoglobin subunit alpha 2; plus strand), LOC106804612 (hemoglobin subunit alpha 2 recombination region; plus strand). Cytogenetic location: 16p13.3.
Variant type: Insertion.
Coding change: c.198_199insTC on transcript NM_000517.6 (MANE Select); coding-DNA positions 198 to 199, TC inserted.
Protein change: p.Leu67fs; shifts the reading frame from leucine 67.
Molecular consequence: frameshift variant.
Genome position: GRCh38 VCF-style: chr16-173227-G-GTC. GRCh37 (hg19) VCF-style: chr16-223226-G-GTC.
Other names: short protein forms L67fs.
Identifiers: ClinVar variation 4818641 (VCV004818641.1).

ClinVar aggregate classification (germline): Likely pathogenic (1 of 4 stars; one submission).

Conditions:
alpha Thalassemia. Also called: Alpha thalassemia spectrum. Identifiers: Orphanet 846, MedGen C0002312, MONDO:0011399, OMIM 604131.

Submission:

Natera, Inc.
Classification: Likely pathogenic for Alpha thalassemia. Last evaluated: 2026-01-14. Review status: criteria provided, single submitter. Criteria: Natera Variant Classification Schema (03/2026). Collection method: clinical testing. Allele origin: germline.
Comment: The c.198_199insTC variant in HBA2 is a frameshift variant predicted to shift the reading frame beginning at codon 67 and leads to a stop codon 2 codons downstream. This variant is expected to result in nonsense mediated decay, truncation, or a dysfunctional protein product. This variant is rare in the general population with a frequency below the threshold expected for the associated phenotype(s). Given the available evidence, this variant is classified as Likely Pathogenic.